The following is an entry in ClinVar:

ClinVar aggregate classification (germline): Uncertain significance. Review status: criteria provided, multiple submitters, no conflicts (2 of 4 stars). 3 submissions from 3 submitters: Uncertain significance (3). Last evaluated 2025-04-28.

Conditions:
Spinocerebellar ataxia 45. Identifiers: Orphanet 589527, MedGen C4540400, MONDO:0033480, OMIM 617769.

Submissions (3):

Labcorp Genetics (formerly Invitae), Labcorp
Classification: Uncertain significance. Last evaluated: 2025-04-28. Review status: criteria provided, single submitter. Criteria: Invitae Variant Classification Sherloc (09022015). Collection method: clinical testing. Allele origin: germline.
Comment: This sequence change creates a premature translational stop signal (p.Leu552Phefs*6) in the FAT2 gene. It is expected to result in an absent or disrupted protein product. However, the current clinical and genetic evidence is not sufficient to establish whether loss-of-function variants in FAT2 cause disease. This variant is not present in population databases (gnomAD no frequency). This variant has not been reported in the literature in individuals affected with FAT2-related conditions. ClinVar contains an entry for this variant (Variation ID: 1708205). In summary, the available evidence is currently insufficient to determine the role of this variant in disease. Therefore, it has been classified as a Variant of Uncertain Significance.

Baylor Genetics
Classification: Uncertain significance for Spinocerebellar ataxia 45. Last evaluated: 2022-10-03. Review status: criteria provided, single submitter. Criteria: ACMG Guidelines, 2015. Collection method: clinical testing. Allele origin: unknown.

Wangler Lab, Baylor College of Medicine
Classification: Uncertain significance for Spinocerebellar ataxia 45. Review status: criteria provided, single submitter. Criteria: ACMG Guidelines, 2015. Collection method: clinical testing. Allele origin: unknown. Inheritance: Autosomal dominant inheritance. Affected: yes. Observed: 1 heterozygote.
Comment: This FAT2 variant at c.1653del (p.L552Ffs*6) was discovered on exome through the Texome Project (R01HG011795). It is predicted to result in a frameshift or premature stop. This change is not seen on gnomAD (PM2). The pathogenicity mechanism for this gene-disease association is not well-characterized and only missense variants have thus far been reported in affected individuals. We classify this variant as a variant of uncertain significance.

NM_001447.3(FAT2):c.1653del (p.Leu552fs)

Gene: FAT2 (FAT atypical cadherin 2; minus strand). Cytogenetic location: 5q33.1.
Variant type: Deletion.
Coding change: c.1653del on transcript NM_001447.3 (MANE Select); coding-DNA position 1653, one base deleted (T; older notation c.1653delT).
Protein change: p.Leu552fs; shifts the reading frame from leucine 552.
Molecular consequence: frameshift variant.
Genome position (GRCh38, 1-based): chr5:151,567,279, A deleted on the plus strand (T on the coding strand, the reverse complement: FAT2 is on the minus strand); the first of 5 consecutive A bases (chr5:151,567,279-151,567,283); deleting any one gives the same sequence. VCF-style (leftmost placement, unchanged base first): chr5-151567278-GA-G. GRCh37 (hg19) VCF-style: chr5-150946839-GA-G.
Other names: short protein forms L552fs.
Identifiers: ClinVar variation 1708205 (VCV001708205.6), dbSNP rs1758317262, ClinGen allele CA1591448715.
Genomic context (GRCh38, chr5:151,567,278, plus strand): 5'-ACCCTGTACAGTTGACTTCTTCAAACATAGGCTGGTTGTCATTCAAGTTCCTGAGCTGAA[GA>G]AAAATGGACACTTCCTTCTCCCGGCGAAAAGGGGATCCCCAGTCTGATGCTCTTACCCGG-3'